The following is an entry in ClinVar:

NM_001605.3(AARS1):c.2083C>G (p.Arg695Gly)

Gene: AARS1 (alanyl-tRNA synthetase 1; minus strand). Cytogenetic location: 16q22.1.
Variant type: single nucleotide variant.
Coding change: c.2083C>G on transcript NM_001605.3 (MANE Select); coding-DNA position 2083, C replaced by G.
Protein change: p.Arg695Gly; replaces arginine 695 with glycine.
Molecular consequence: missense variant.
Genome position (GRCh38, 1-based): chr16:70,258,127, G>C on the plus strand (C>G on the coding strand, the complement: AARS1 is on the minus strand). VCF-style: chr16-70258127-G-C. GRCh37 (hg19) VCF-style: chr16-70292030-G-C.
Other names: short protein forms R695G.
Identifiers: ClinVar variation 3342965 (VCV003342965.1).
Genomic context (GRCh38, chr16:70,258,127, plus strand): 5'-CAGCAGGCCCAGAGGGGTCATCCAGCAACTCGGACACCGGGACCCCAATGGAGACGACTC[G>C]CACAGGGTCAGGATAGGTCTCATCAAACACAGCCCGTAGGCCCTGGATGGCTTTCGCTGC-3'
Protein context (NP_001596.2, residues 685-705): VFDETYPDPV[Arg695Gly]VVSIGVPVSE

ClinVar aggregate classification (germline): Uncertain significance (1 of 4 stars; one submission).

Submission:

GeneDx
Classification: Uncertain significance. Last evaluated: 2023-04-03. Review status: criteria provided, single submitter. Criteria: GeneDx Variant Classification Process June 2021. Collection method: clinical testing. Allele origin: germline. Affected: yes.
Comment: Not observed at significant frequency in large population cohorts (gnomAD); In silico analysis supports that this missense variant has a deleterious effect on protein structure/function; Has not been previously published as pathogenic or benign to our knowledge; This variant is associated with the following publications: (PMID: 25817015)